The following is an entry in ClinVar:

ClinVar aggregate classification (germline): Uncertain significance (1 of 4 stars; one submission).

Conditions:
Brugada syndrome 7 (BRGDA7). Identifiers: Orphanet 130, MedGen C2751088, MONDO:0013146, OMIM 613120.

Submission:

Labcorp Genetics (formerly Invitae), Labcorp
Classification: Uncertain significance for Brugada syndrome 7. Last evaluated: 2023-04-08. Review status: criteria provided, single submitter. Criteria: Invitae Variant Classification Sherloc (09022015). Collection method: clinical testing. Allele origin: germline.
Comment: This variant is not present in population databases (gnomAD no frequency). This variant has not been reported in the literature in individuals affected with SCN3B-related conditions. Algorithms developed to predict the effect of missense changes on protein structure and function output the following: SIFT: "Not Available"; PolyPhen-2: "Benign"; Align-GVGD: "Not Available". The lysine amino acid residue is found in multiple mammalian species, which suggests that this missense change does not adversely affect protein function. In summary, the available evidence is currently insufficient to determine the role of this variant in disease. Therefore, it has been classified as a Variant of Uncertain Significance. This sequence change replaces asparagine, which is neutral and polar, with lysine, which is basic and polar, at codon 39 of the SCN3B protein (p.Asn39Lys).

NM_001040151.2(SCN3B):c.117C>G (p.Asn39Lys)

Gene: SCN3B (sodium voltage-gated channel beta subunit 3; minus strand). Cytogenetic location: 11q24.1.
Variant type: single nucleotide variant.
Coding change: c.117C>G on transcript NM_001040151.2 (MANE Select); coding-DNA position 117, C replaced by G.
Protein change: p.Asn39Lys; replaces asparagine 39 with lysine.
Molecular consequence: missense variant.
Genome position (GRCh38, 1-based): chr11:123,645,689, G>C on the plus strand (C>G on the coding strand, the complement: SCN3B is on the minus strand). VCF-style: chr11-123645689-G-C. GRCh37 (hg19) VCF-style: chr11-123516397-G-C.
Other names: c.117C>G, p.Asn39Lys (NM_018400.4); short protein forms N39K.
Identifiers: ClinVar variation 2853703 (VCV002853703.3), dbSNP rs2497580352, ClinGen allele CA383073156.